The following is an entry in ClinVar:

ClinVar aggregate classification (germline): Uncertain significance. Review status: criteria provided, multiple submitters, no conflicts (2 of 4 stars). 2 submissions from 2 submitters: Uncertain significance (2). Last evaluated 2024-03-29.

Submissions (2):

Women's Health and Genetics/Laboratory Corporation of America, LabCorp
Classification: Uncertain significance. Last evaluated: 2024-03-29. Review status: criteria provided, single submitter. Criteria: LabCorp Variant Classification Summary - May 2015. Collection method: clinical testing. Allele origin: germline.
Comment: Variant summary: CELF2 c.283G>T (p.Val95Leu) results in a conservative amino acid change in the encoded protein sequence. Four of five in-silico tools predict a benign effect of the variant on protein function. The variant was absent in 248588 control chromosomes. The available data on variant occurrences in the general population are insufficient to allow any conclusion about variant significance. To our knowledge, no occurrence of c.283G>T in individuals affected with Developmental And Epileptic Encephalopathy 97 and no experimental evidence demonstrating its impact on protein function have been reported. No submitters have cited clinical-significance assessments for this variant to ClinVar. Based on the evidence outlined above, the variant was classified as uncertain significance.

GeneDx
Classification: Uncertain significance. Last evaluated: 2023-11-14. Review status: criteria provided, single submitter. Criteria: GeneDx Variant Classification Process June 2021. Collection method: clinical testing. Allele origin: germline. Affected: yes.
Comment: Not observed at significant frequency in large population cohorts (gnomAD); In silico analysis supports that this missense variant does not alter protein structure/function; Has not been previously published as pathogenic or benign to our knowledge

NM_001326342.2(CELF2):c.283G>T (p.Val95Leu)

Gene: CELF2 (CUGBP Elav-like family member 2; plus strand). Cytogenetic location: 10p14.
Variant type: single nucleotide variant.
Coding change: c.283G>T on transcript NM_001326342.2 (MANE Select); coding-DNA position 283, G replaced by T.
Protein change: p.Val95Leu; replaces valine 95 with leucine.
Molecular consequence: missense variant. On other transcripts: 5 prime UTR variant (1), intron variant (3).
Genome position (GRCh38, 1-based): chr10:11,217,436, G>T. VCF-style: chr10-11217436-G-T. GRCh37 (hg19) VCF-style: chr10-11259399-G-T.
Other names: c.190G>T, p.Val64Leu (NM_001025076.2, NM_001083591.1, NM_001326317.2 and 15 more transcripts); c.262G>T, p.Val88Leu (NM_001025077.3, NM_001326331.2, NM_001326332.2 and 4 more transcripts); c.355G>T, p.Val119Leu (NM_001326325.2); c.298G>T, p.Val100Leu (NM_001326326.2, NM_001326327.2); c.-343G>T (NM_001326333.2); c.283G>T, p.Val95Leu (NM_001326340.2, NM_001326341.2, NM_001326343.2 and 4 more transcripts); c.214G>T, p.Val72Leu (NM_001326347.1); c.1-31717G>T (NM_001326339.2, NM_001326338.2); and 2 more; short protein forms V100L, V119L, V64L, V72L, V88L, V95L.
Identifiers: ClinVar variation 3233915 (VCV003233915.3), dbSNP rs577233700, ClinGen allele CA375986403.